The following is an entry in ClinVar:

NM_000552.5(VWF):c.6965A>T (p.Glu2322Val)

Gene: VWF (von Willebrand factor; minus strand). Cytogenetic location: 12p13.31.
Variant type: single nucleotide variant.
Coding change: c.6965A>T on transcript NM_000552.5 (MANE Select); coding-DNA position 6965, A replaced by T.
Protein change: p.Glu2322Val; replaces glutamic acid 2322 with valine.
Molecular consequence: missense variant.
Genome position (GRCh38, 1-based): chr12:5,985,056, T>A on the plus strand (A>T on the coding strand, the complement: VWF is on the minus strand). VCF-style: chr12-5985056-T-A. GRCh37 (hg19) VCF-style: chr12-6094222-T-A.
Other names: c.6965A>T (NM_000552.3); short protein forms E2322V.
Identifiers: ClinVar variation 1330096 (VCV001330096.8), dbSNP rs201792015, ClinGen allele CA6401834.
Genomic context (GRCh38, chr12:5,985,056, plus strand): 5'-CTGGGGCTAGGGTTGGGCCCTGGAGACATCCCCCTGGTGGGACACATACCACACTCATAC[T>A]CGGGGCAGCACTGGTCTGCATTCTGGCGGAGGCGGGCTACTTCACACAGGCCACACGTGG-3'
Protein context (NP_000543.3, residues 2312-2332): LRQNADQCCP[Glu2322Val]YECVCDPVSC

ClinVar aggregate classification (germline): Uncertain significance. Review status: criteria provided, multiple submitters, no conflicts (2 of 4 stars). 6 submissions from 6 submitters: Uncertain significance (6). Last evaluated 2025-04-23.

Conditions:
VWF-related disorder. Also called: VWF-related condition; VWF-related disorders.
Inborn genetic diseases. Identifiers: MedGen C0950123, MeSH D030342.

Allele frequency attached by ClinVar (database versions not stated): gnomAD 0.00013 and 0.00014; ESP Exome Variant Server 0.00015; gnomAD exomes 0.00015 and 0.00036; TOPMed 0.00020; ExAC 0.00027.
gnomAD v4.1: 261 of 1,614,008 alleles (0.016%); highest among the groups gnomAD compares: Admixed American, 0.078%; no homozygotes.

Submissions (6):

PreventionGenetics, part of Exact Sciences
Classification: Uncertain significance for VWF-related condition. Last evaluated: 2025-04-23. Review status: criteria provided, single submitter. Criteria: ACMG Guidelines, 2015. Collection method: clinical testing. Allele origin: germline.
Comment: The VWF c.6965A>T variant is predicted to result in the amino acid substitution p.Glu2322Val. To our knowledge, this variant has not been reported in the literature. This variant is reported in 0.42% of alleles in individuals of Ashkenazi Jewish descent in gnomAD. Although we suspect that this variant may be benign, at this time, the clinical significance of this variant is uncertain due to the absence of conclusive functional and genetic evidence.

Women's Health and Genetics/Laboratory Corporation of America, LabCorp
Classification: Uncertain significance. Last evaluated: 2024-09-13. Review status: criteria provided, single submitter. Criteria: LabCorp Variant Classification Summary - May 2015. Collection method: clinical testing. Allele origin: germline.
Comment: Variant summary: VWF c.6965A>T (p.Glu2322Val) results in a non-conservative amino acid change located in the VWFC domain (IPR001007) of the encoded protein sequence. Three of five in-silico tools predict a benign effect of the variant on protein function. The variant allele was found at a frequency of 0.00036 in 251482 control chromosomes. This frequency is not significantly higher than estimated for a pathogenic variant in VWF causing Von Willebrand Disease, allowing no conclusion about variant significance. c.6965A>T has been reported in the literature in the compound heterozygous state in an individual affected with Von Willebrand Disease, type 3 (Titapiwatanakun_2007). This report does not provide unequivocal conclusions about association of the variant with Von Willebrand Disease.To our knowledge, no experimental evidence demonstrating an impact on protein function has been reported. ClinVar contains an entry for this variant (Variation ID: 1330096). Based on the evidence outlined above, the variant was classified as uncertain significance.

Revvity Omics, Revvity
Classification: Uncertain significance. Last evaluated: 2024-08-20. Review status: criteria provided, single submitter. Criteria: ACMG Guidelines, 2015. Collection method: clinical testing. Allele origin: germline.

Quest Diagnostics Nichols Institute San Juan Capistrano
Classification: Uncertain significance. Last evaluated: 2023-10-09. Review status: criteria provided, single submitter. Criteria: Quest Diagnostics criteria. Collection method: clinical testing. Allele origin: unknown.

Ambry Genetics
Classification: Uncertain significance for Inborn genetic diseases. Last evaluated: 2021-07-13. Review status: criteria provided, single submitter. Criteria: Ambry Variant Classification Scheme 2023. Collection method: clinical testing. Allele origin: germline.

Breakthrough Genomics
Classification: Uncertain significance. Review status: criteria provided, single submitter. Criteria: ACMG Guidelines, 2015. Collection method: not provided. Allele origin: germline. Inheritance: Autosomal recessive inheritance. Affected: yes.